The following is an entry in ClinVar:

ClinVar aggregate classification (germline): Uncertain significance (1 of 4 stars; one submission).

Allele frequency attached by ClinVar (database versions not stated): ExAC 0.00002.
gnomAD v4.1: 21 of 1,614,024 alleles (0.0013%); highest among the groups gnomAD compares: Admixed American, 0.005%; no homozygotes.

Submission:

Labcorp Genetics (formerly Invitae), Labcorp
Classification: Uncertain significance. Last evaluated: 2022-10-17. Review status: criteria provided, single submitter. Criteria: Invitae Variant Classification Sherloc (09022015). Collection method: clinical testing. Allele origin: germline.
Comment: In summary, the available evidence is currently insufficient to determine the role of this variant in disease. Therefore, it has been classified as a Variant of Uncertain Significance. Algorithms developed to predict the effect of missense changes on protein structure and function output the following: SIFT: "Deleterious"; PolyPhen-2: "Probably Damaging"; Align-GVGD: "Class C0". The leucine amino acid residue is found in multiple mammalian species, which suggests that this missense change does not adversely affect protein function. This variant has not been reported in the literature in individuals affected with ADGRE2-related conditions. The frequency data for this variant in the population databases is considered unreliable, as metrics indicate poor data quality at this position in the gnomAD database. This sequence change replaces proline, which is neutral and non-polar, with leucine, which is neutral and non-polar, at codon 754 of the ADGRE2 protein (p.Pro754Leu).

NM_013447.4(ADGRE2):c.2261C>T (p.Pro754Leu)

Gene: ADGRE2 (adhesion G protein-coupled receptor E2; minus strand). Cytogenetic location: 19p13.12.
Variant type: single nucleotide variant.
Coding change: c.2261C>T on transcript NM_013447.4 (MANE Select); coding-DNA position 2261, C replaced by T.
Protein change: p.Pro754Leu; replaces proline 754 with leucine.
Molecular consequence: missense variant.
Genome position (GRCh38, 1-based): chr19:14,743,707, G>A on the plus strand (C>T on the coding strand, the complement: ADGRE2 is on the minus strand). VCF-style: chr19-14743707-G-A. GRCh37 (hg19) VCF-style: chr19-14854519-G-A.
Other names: c.2087C>T, p.Pro696Leu (NM_001271052.1); c.2114C>T, p.Pro705Leu (NM_152916.2); c.1982C>T, p.Pro661Leu (NM_152917.2); short protein forms P661L, P696L, P705L, P754L.
Identifiers: ClinVar variation 2185371 (VCV002185371.4), dbSNP rs774168050, ClinGen allele CA9257425.